The following is an entry in ClinVar:

NM_203475.3(PORCN):c.853_854delinsCCCCCAG (p.Thr285fs)

Gene: PORCN (porcupine O-acyltransferase; plus strand). Cytogenetic location: Xp11.23.
Variant type: Indel.
Coding change: c.853_854delinsCCCCCAG on transcript NM_203475.3 (MANE Select); coding-DNA positions 853 to 854, AC replaced by CCCCCAG.
Protein change: p.Thr285fs; shifts the reading frame from threonine 285.
Molecular consequence: frameshift variant.
Genome position (GRCh38, 1-based): chrX:48,514,532-48,514,533, AC replaced by CCCCCAG. VCF-style: chrX-48514532-AC-CCCCCAG. GRCh37 (hg19) VCF-style: chrX-48372920-AC-CCCCCAG.
Other names: c.607_608delinsCCCCCAG, p.Thr203fs (NM_001282167.2); c.820_821delinsCCCCCAG, p.Thr274fs (NM_022825.4); c.838_839delinsCCCCCAG, p.Thr280fs (NM_203473.3); c.835_836delinsCCCCCAG, p.Thr279fs (NM_203474.1); short protein forms T274fs, T280fs, T203fs, T279fs, T285fs.
Identifiers: ClinVar variation 487812 (VCV000487812.3), dbSNP rs1556974808, ClinGen allele CA658824949.

ClinVar aggregate classification (germline): Uncertain significance (0 of 4 stars; one submission).

Conditions:
Focal dermal hypoplasia (FDH). Also called: Goltz syndrome. Identifiers: Orphanet 2092, MedGen C0016395, MONDO:0010592, OMIM 305600.

Submission:

Institute for Human Genetics, University Medical Center Freiburg
Classification: Uncertain significance for Focal dermal hypoplasia. Last evaluated: 2016-09-06. Review status: no assertion criteria provided. Collection method: clinical testing. Allele origin: de novo. Affected: yes. Observed: 1 variant allele.